The following is an entry in ClinVar:

ClinVar aggregate classification (germline): Pathogenic (1 of 4 stars; one submission).

Conditions:
Familial adenomatous polyposis 1 (FAP1). Also called: FAMILIAL ADENOMATOUS POLYPOSIS 1, ATTENUATED; POLYPOSIS, ADENOMATOUS INTESTINAL. Identifiers: MedGen C2713442, MONDO:0021056, OMIM 175100. Disease mechanism: loss of function.

Submission:

Myriad Genetics, Inc.
Classification: Pathogenic for Familial adenomatous polyposis 1. Last evaluated: 2023-05-10. Review status: criteria provided, single submitter. Criteria: Myriad Autosomal Dominant, Autosomal Recessive and X-Linked Classification Criteria (2023). Collection method: clinical testing. Allele origin: unknown.
Comment: This variant is considered pathogenic. This variant creates a frameshift predicted to result in premature protein truncation.

NM_000038.6(APC):c.4169del (p.Val1390fs)

Gene: APC (APC regulator of Wnt signaling pathway; plus strand). Cytogenetic location: 5q22.2.
Variant type: Deletion.
Coding change: c.4169del on transcript NM_000038.6 (MANE Select); coding-DNA position 4169, one base deleted (T; older notation c.4169delT).
Protein change: p.Val1390fs; shifts the reading frame from valine 1390.
Molecular consequence: frameshift variant. On other transcripts: non-coding transcript variant (2).
Genome position (GRCh38, 1-based): chr5:112,839,763, T deleted. VCF-style (leftmost placement, unchanged base first): chr5-112839762-GT-G. GRCh37 (hg19) VCF-style: chr5-112175459-GT-G.
Other names: c.4253del, p.Val1418fs (NM_001407446.1); c.4223del, p.Val1408fs (NM_001407447.1, NM_001407448.1, NM_001407449.1 and 1 more transcripts); c.4169del, p.Val1390fs (NM_001407450.1, NM_001127510.3, NM_001354895.2); c.4148del, p.Val1383fs (NM_001407451.1); c.4139del, p.Val1380fs (NM_001407452.1); c.3992del, p.Val1331fs (NM_001407453.1, NM_001354901.2); c.3920del, p.Val1307fs (NM_001407454.1, NM_001407455.1, NM_001407456.1 and 1 more transcripts); c.3866del, p.Val1289fs (NM_001407458.1, NM_001407459.1, NM_001407460.1 and 1 more transcripts); and 11 more; short protein forms V1006fs, V1107fs, V1230fs, V1261fs, V1264fs, V1289fs, V1299fs, V1307fs.
Identifiers: ClinVar variation 2584328 (VCV002584328.1), dbSNP rs2533553936, ClinGen allele CA2582341562.